The following is an entry in ClinVar:

NM_020461.4(TUBGCP6):c.1078T>G (p.Leu360Val)

Gene: TUBGCP6 (tubulin gamma complex component 6; minus strand). Cytogenetic location: 22q13.33.
Variant type: single nucleotide variant.
Coding change: c.1078T>G on transcript NM_020461.4 (MANE Select); coding-DNA position 1078, T replaced by G.
Protein change: p.Leu360Val; replaces leucine 360 with valine.
Molecular consequence: missense variant.
Genome position (GRCh38, 1-based): chr22:50,233,354, A>C on the plus strand (T>G on the coding strand, the complement: TUBGCP6 is on the minus strand). VCF-style: chr22-50233354-A-C. GRCh37 (hg19) VCF-style: chr22-50671783-A-C.
Other names: c.1078T>G (NM_020461.3); short protein forms L360V.
Identifiers: ClinVar variation 1442990 (VCV001442990.7), dbSNP rs748704112, ClinGen allele CA10308840.
Genomic context (GRCh38, chr22:50,233,354, plus strand): 5'-GCGGGGAGTGAGCAGTTCTCACCTGGCAGAGCGAAAACGTGGCAGACACGACCCCAATCA[A>C]GACGTTCAGCACGTCTTTCACCAGCTCGCACTCCTTCACCAGCACGGGCTGCGGGGCCTG-3'
Protein context (NP_065194.3, residues 350-370): CELVKDVLNV[Leu360Val]IGVVSATFSL

ClinVar aggregate classification (germline): Uncertain significance. Review status: criteria provided, multiple submitters, no conflicts (2 of 4 stars). 2 submissions from 2 submitters: Uncertain significance (2). Last evaluated 2025-11-03.

Conditions:
Inborn genetic diseases. Identifiers: MedGen C0950123, MeSH D030342.

Allele frequency attached by ClinVar (database versions not stated): ExAC 0.00002; TOPMed 0.00002.
gnomAD v4.1: 11 of 1,613,992 alleles (0.00068%); highest among the groups gnomAD compares: Admixed American, 0.018%; no homozygotes.

Submissions (2):

Labcorp Genetics (formerly Invitae), Labcorp
Classification: Uncertain significance. Last evaluated: 2025-11-03. Review status: criteria provided, single submitter. Criteria: Invitae Variant Classification Sherloc (09022015). Collection method: clinical testing. Allele origin: germline.
Comment: This sequence change replaces leucine, which is neutral and non-polar, with valine, which is neutral and non-polar, at codon 360 of the TUBGCP6 protein (p.Leu360Val). This variant is present in population databases (rs748704112, gnomAD 0.03%). This variant has not been reported in the literature in individuals affected with TUBGCP6-related conditions. ClinVar contains an entry for this variant (Variation ID: 1442990). An algorithm developed to predict the effect of missense changes on protein structure and function (PolyPhen-2) suggests that this variant is likely to be disruptive. In summary, the available evidence is currently insufficient to determine the role of this variant in disease. Therefore, it has been classified as a Variant of Uncertain Significance.

Ambry Genetics
Classification: Uncertain significance for Inborn genetic diseases. Last evaluated: 2025-06-16. Review status: criteria provided, single submitter. Criteria: Ambry Variant Classification Scheme 2023. Collection method: clinical testing. Allele origin: germline.